The following is an entry in ClinVar:

NM_001375567.1(FOCAD):c.2336C>T (p.Thr779Ile)

Gene: FOCAD (focadhesin; plus strand). Cytogenetic location: 9p21.3.
Variant type: single nucleotide variant.
Coding change: c.2336C>T on transcript NM_001375567.1 (MANE Select); coding-DNA position 2336, C replaced by T.
Protein change: p.Thr779Ile; replaces threonine 779 with isoleucine.
Molecular consequence: missense variant.
Genome position (GRCh38, 1-based): chr9:20,881,889, C>T. VCF-style: chr9-20881889-C-T. GRCh37 (hg19) VCF-style: chr9-20881888-C-T.
Other names: c.2231C>T, p.Thr744Ile (NM_001375568.1, NM_001375570.1); c.2336C>T, p.Thr779Ile (NM_017794.5); short protein forms T779I, T744I.
Identifiers: ClinVar variation 790402 (VCV000790402.17), dbSNP rs147376982, ClinGen allele CA5007104.

ClinVar aggregate classification (germline): Likely benign. Review status: criteria provided, multiple submitters, no conflicts (2 of 4 stars). 4 submissions from 4 submitters: Likely benign (3). 1 of the submissions does not count toward it. Last evaluated 2025-12-13.

Conditions:
FOCAD-related disorder. Also called: FOCAD-related condition.

Allele frequency attached by ClinVar (database versions not stated): 1000 Genomes Project 30x 0.00062; 1000 Genomes Project 0.00080; gnomAD 0.00124; ExAC 0.00129; gnomAD exomes 0.00141; TOPMed 0.00159; ESP Exome Variant Server 0.00177.
gnomAD v4.1: 2,488 of 1,612,524 alleles (0.15%); highest among the groups gnomAD compares: Admixed American, 0.34%; 8 homozygotes.

Submissions (4):

Labcorp Genetics (formerly Invitae), Labcorp
Classification: Likely benign. Last evaluated: 2025-12-13. Review status: criteria provided, single submitter. Criteria: Invitae Variant Classification Sherloc (09022015). Collection method: clinical testing. Allele origin: germline.

CeGaT Center for Human Genetics Tuebingen
Classification: Likely benign. Last evaluated: 2025-06-01. Review status: criteria provided, single submitter. Criteria: CeGaT Center For Human Genetics Tuebingen Variant Classification Criteria Version 2. Collection method: clinical testing. Allele origin: germline. Affected: yes. Observed: 1 variant allele.
Comment: FOCAD: BP4

Breakthrough Genomics
Classification: Likely benign. Review status: criteria provided, single submitter. Criteria: ACMG Guidelines, 2015. Collection method: not provided. Allele origin: germline. Inheritance: Autosomal recessive inheritance. Affected: yes.

PreventionGenetics, part of Exact Sciences
Classification: Likely benign for FOCAD-related condition. Last evaluated: 2020-10-26. Review status: no assertion criteria provided. Collection method: clinical testing. Allele origin: germline. Not counted in ClinVar's aggregate classification.
Comment: This variant is classified as likely benign based on ACMG/AMP sequence variant interpretation guidelines (Richards et al. 2015 PMID: 25741868, with internal and published modifications).